The following is an entry in ClinVar:

ClinVar aggregate classification (germline): Benign/Likely benign. Review status: criteria provided, multiple submitters, no conflicts (2 of 4 stars). 5 submissions from 5 submitters: Benign (3); Likely benign (1). 1 of the submissions does not count toward it. Last evaluated 2026-06-28.

Conditions:
HPS5-related disorder. Also called: HPS5-related condition.

Allele frequency attached by ClinVar (database versions not stated): gnomAD exomes 0.00024 and 0.00074; ExAC 0.00100; gnomAD 0.00267 and 0.00285; TOPMed 0.00324; ESP Exome Variant Server 0.00393; 1000 Genomes Project 0.00399; 1000 Genomes Project 30x 0.00406.
gnomAD v4.1: 774 of 1,614,126 alleles (0.048%); highest among the groups gnomAD compares: African/African-American, 0.92%; 3 homozygotes.

Submissions (5):

Women's Health and Genetics/Laboratory Corporation of America, LabCorp
Classification: Benign. Last evaluated: 2026-06-28. Review status: criteria provided, single submitter. Criteria: LabCorp Variant Classification Summary - May 2015. Collection method: clinical testing. Allele origin: germline.

Labcorp Genetics (formerly Invitae), Labcorp
Classification: Benign. Last evaluated: 2026-01-28. Review status: criteria provided, single submitter. Criteria: Invitae Variant Classification Sherloc (09022015). Collection method: clinical testing. Allele origin: germline.

Blueprint Genetics
Classification: Likely benign. Last evaluated: 2024-07-02. Review status: criteria provided, single submitter. Criteria: ACMG Guidelines, 2015. Collection method: clinical testing. Allele origin: germline.

Breakthrough Genomics
Classification: Benign. Review status: criteria provided, single submitter. Criteria: ACMG Guidelines, 2015. Collection method: not provided. Allele origin: germline. Inheritance: Autosomal recessive inheritance. Affected: yes.

PreventionGenetics, part of Exact Sciences
Classification: Benign for HPS5-related condition. Last evaluated: 2019-03-22. Review status: no assertion criteria provided. Collection method: clinical testing. Allele origin: germline. Not counted in ClinVar's aggregate classification.
Comment: This variant is classified as benign based on ACMG/AMP sequence variant interpretation guidelines (Richards et al. 2015 PMID: 25741868, with internal and published modifications).

NM_181507.2(HPS5):c.1476G>A (p.Leu492=)

Gene: HPS5 (HPS5 biogenesis of lysosomal organelles complex 2 subunit 2; minus strand). Cytogenetic location: 11p15.1.
Variant type: single nucleotide variant.
Coding change: c.1476G>A on transcript NM_181507.2 (MANE Select); coding-DNA position 1476, G replaced by A.
Protein change: p.Leu492=; no amino-acid change (leucine 492 retained).
Molecular consequence: synonymous variant.
Genome position (GRCh38, 1-based): chr11:18,296,832, C>T on the plus strand (G>A on the coding strand, the complement: HPS5 is on the minus strand). VCF-style: chr11-18296832-C-T. GRCh37 (hg19) VCF-style: chr11-18318379-C-T.
Other names: c.1134G>A, p.Leu378= (NM_007216.4, NM_181508.2).
Identifiers: ClinVar variation 707876 (VCV000707876.16), dbSNP rs114305629, ClinGen allele CA5910136.
Genomic context (GRCh38, chr11:18,296,832, plus strand): 5'-GAACCAACAACAGACACATTCATCACCTTCATTTCCGTGTGAGCCACAACACTGATCTGG[C>T]AGGTCCTCTTCCTGCTGTGAGGTGAATTCTTTAAATCTCTCATCTTCTGAGAGGGTTTGG-3'
Protein context (NP_852608.1, residues 482-502): KEFTSQQEED[Leu492=]PDQCCGSHGN